The following is an entry in ClinVar:

NM_000535.7(PMS2):c.1433G>T (p.Ser478Ile)

Gene: PMS2 (PMS1 homolog 2, mismatch repair system component; minus strand). Cytogenetic location: 7p22.1.
Variant type: single nucleotide variant.
Coding change: c.1433G>T on transcript NM_000535.7 (MANE Select); coding-DNA position 1433, G replaced by T.
Protein change: p.Ser478Ile; replaces serine 478 with isoleucine.
Molecular consequence: missense variant. On other transcripts: non-coding transcript variant (1).
Genome position (GRCh38, 1-based): chr7:5,987,332, C>A on the plus strand (G>T on the coding strand, the complement: PMS2 is on the minus strand). VCF-style: chr7-5987332-C-A. GRCh37 (hg19) VCF-style: chr7-6026963-C-A.
Other names: c.1028G>T, p.Ser343Ile (NM_001322003.2, NM_001322004.2, NM_001322005.2 and 1 more transcripts); c.1277G>T, p.Ser426Ile (NM_001322006.2); c.1115G>T, p.Ser372Ile (NM_001322007.2, NM_001322008.2); c.872G>T, p.Ser291Ile (NM_001322010.2); c.500G>T, p.Ser167Ile (NM_001322011.2, NM_001322012.2); c.860G>T, p.Ser287Ile (NM_001322013.2); c.1433G>T, p.Ser478Ile (NM_001322014.2); c.1124G>T, p.Ser375Ile (NM_001322015.2); short protein forms S167I, S287I, S372I, S426I, S291I, S375I, S478I, S343I.
Identifiers: ClinVar variation 1491884 (VCV001491884.8), dbSNP rs748643694, ClinGen allele CA366742002.

ClinVar aggregate classification (germline): Uncertain significance (1 of 4 stars; one submission).

Conditions:
Hereditary nonpolyposis colorectal neoplasms. Identifiers: MedGen C0009405, MeSH D003123.

Submission:

Labcorp Genetics (formerly Invitae), Labcorp
Classification: Uncertain significance for Hereditary nonpolyposis colorectal neoplasms. Last evaluated: 2020-12-07. Review status: criteria provided, single submitter. Criteria: Invitae Variant Classification Sherloc (09022015). Collection method: clinical testing. Allele origin: germline.
Comment: In summary, the available evidence is currently insufficient to determine the role of this variant in disease. Therefore, it has been classified as a Variant of Uncertain Significance. Advanced modeling of protein sequence and biophysical properties (such as structural, functional, and spatial information, amino acid conservation, physicochemical variation, residue mobility, and thermodynamic stability) performed at Invitae indicates that this missense variant is not expected to disrupt PMS2 protein function. This variant has not been reported in the literature in individuals with PMS2-related conditions. This variant is not present in population databases (ExAC no frequency). This sequence change replaces serine with isoleucine at codon 478 of the PMS2 protein (p.Ser478Ile). The serine residue is weakly conserved and there is a large physicochemical difference between serine and isoleucine.